The following is an entry in ClinVar:

NM_000548.5(TSC2):c.4993C>G (p.Gln1665Glu)

Gene: TSC2 (TSC complex subunit 2; plus strand). Cytogenetic location: 16p13.3.
Variant type: single nucleotide variant.
Coding change: c.4993C>G on transcript NM_000548.5 (MANE Select); coding-DNA position 4993, C replaced by G.
Protein change: p.Gln1665Glu; replaces glutamine 1665 with glutamic acid.
Molecular consequence: missense variant.
Genome position (GRCh38, 1-based): chr16:2,087,866, C>G. VCF-style: chr16-2087866-C-G. GRCh37 (hg19) VCF-style: chr16-2137867-C-G.
Other names: c.4792C>G, p.Gln1598Glu (NM_001077183.3); c.4924C>G, p.Gln1642Glu (NM_001114382.3); c.4684C>G, p.Gln1562Glu (NM_001318827.2); c.4648C>G, p.Gln1550Glu (NM_001318829.2); c.4261C>G, p.Gln1421Glu (NM_001318831.2); c.4825C>G, p.Gln1609Glu (NM_001318832.2); c.4795C>G, p.Gln1599Glu (NM_001363528.2); c.4861C>G, p.Gln1621Glu (NM_001370404.1); and 1 more; short protein forms Q1421E, Q1550E, Q1562E, Q1598E, Q1599E, Q1609E, Q1621E, Q1622E.
Identifiers: ClinVar variation 1692508 (VCV001692508.3), dbSNP rs45448101, ClinGen allele CA394310934.

ClinVar aggregate classification (germline): Uncertain significance. Review status: criteria provided, multiple submitters, no conflicts (2 of 4 stars). 3 submissions from 3 submitters: Uncertain significance (3). Last evaluated 2025-06-22.

Conditions:
Hereditary cancer-predisposing syndrome. Also called: Hereditary Cancer Syndrome; Hereditary neoplastic syndrome; Neoplastic Syndromes, Hereditary; Tumor predisposition. Identifiers: Orphanet 140162, MedGen C0027672, MeSH D009386, MONDO:0015356.
Isolated focal cortical dysplasia type II (FCORD2). Also called: CORTICAL DYSPLASIA OF TAYLOR; Focal cortical dysplasia type II. Identifiers: Orphanet 268994, MedGen C1846385, MONDO:0011818, OMIM 607341, HP:0032051.

Submissions (3):

Ambry Genetics
Classification: Uncertain significance for Hereditary cancer-predisposing syndrome. Last evaluated: 2025-06-22. Review status: criteria provided, single submitter. Criteria: Ambry Variant Classification Scheme 2023. Collection method: clinical testing. Allele origin: germline.
Comment: The p.Q1665E variant (also known as c.4993C>G), located in coding exon 38 of the TSC2 gene, results from a C to G substitution at nucleotide position 4993. The glutamine at codon 1665 is replaced by glutamic acid, an amino acid with highly similar properties. This amino acid position is conserved. In addition, this alteration is predicted to be deleterious by in silico analysis. Based on the available evidence, the clinical significance of this variant remains unclear.

Baylor Genetics
Classification: Uncertain significance for Isolated focal cortical dysplasia type II. Last evaluated: 2024-03-26. Review status: criteria provided, single submitter. Criteria: ACMG Guidelines, 2015. Collection method: clinical testing. Allele origin: unknown.

Sema4
Classification: Uncertain significance for Hereditary cancer-predisposing syndrome. Last evaluated: 2022-02-16. Review status: criteria provided, single submitter. Criteria: Sema4 Curation Guidelines. Collection method: curation. Allele origin: germline.
Comment: The TSC2 c.4993C>G (p.Q1665E) variant has not been reported in the literature to our knowledge. This variant is not reported in the population database Genome Aggregation Database (PMID: 32461654). The variant has not been reported in ClinVar. In silico tools suggest the impact of the variant on protein function is deleterious, though these predictions have not been confirmed by functional studies. The evidence is insufficient to meet ACMG/AMP criteria for classifying the variant as benign or pathogenic. Thus, the clinical significance of this variant is currently uncertain.